The following is an entry in ClinVar:

ClinVar aggregate classification (germline): Benign. Review status: criteria provided, multiple submitters, no conflicts (2 of 4 stars). 2 submissions from 2 submitters: Benign (2). Last evaluated 2025-11-15.

Conditions:
MYH7B-related disorder. Also called: MYH7B-related condition.

Allele frequency attached by ClinVar (database versions not stated): ESP Exome Variant Server 0.00008; gnomAD 0.00024; TOPMed 0.00038; ExAC 0.00041.
gnomAD v4.1: 360 of 1,613,858 alleles (0.022%); highest among the groups gnomAD compares: Admixed American, 0.018%; 1 homozygote.

Submissions (2):

Labcorp Genetics (formerly Invitae), Labcorp
Classification: Benign. Last evaluated: 2025-11-15. Review status: criteria provided, single submitter. Criteria: Invitae Variant Classification Sherloc (09022015). Collection method: clinical testing. Allele origin: germline.

PreventionGenetics, part of Exact Sciences
Classification: Benign for MYH7B-related condition. Last evaluated: 2024-11-15. Review status: criteria provided, single submitter. Criteria: ACMG Guidelines, 2015. Collection method: clinical testing. Allele origin: germline.
Comment: This variant is classified as benign based on ACMG/AMP sequence variant interpretation guidelines (Richards et al. 2015 PMID: 25741868, with internal and published modifications).

NM_020884.7(MYH7B):c.2940C>T (p.Asn980=)

Gene: MYH7B (myosin heavy chain 7B; plus strand). Cytogenetic location: 20q11.22.
Variant type: single nucleotide variant.
Coding change: c.2940C>T on transcript NM_020884.7 (MANE Select); coding-DNA position 2940, C replaced by T.
Protein change: p.Asn980=; no amino-acid change (asparagine 980 retained).
Molecular consequence: synonymous variant.
Genome position (GRCh38, 1-based): chr20:34,995,575, C>T. VCF-style: chr20-34995575-C-T. GRCh37 (hg19) VCF-style: chr20-33583378-C-T.
Other names: c.3066C>T (NM_020884.4).
Identifiers: ClinVar variation 2194057 (VCV002194057.5), dbSNP rs201712534, ClinGen allele CA9827537.